The following is an entry in ClinVar:

ClinVar aggregate classification (germline): Uncertain significance (1 of 4 stars; one submission).

Submission:

GeneDx
Classification: Uncertain significance. Last evaluated: 2026-03-16. Review status: criteria provided, single submitter. Criteria: GeneDx Variant Classification Process June 2021. Collection method: clinical testing. Allele origin: germline.
Comment: Not observed at significant frequency in large population cohorts (gnomAD); In silico analysis suggests that this missense variant does not alter protein structure/function; Has not been previously published as pathogenic or benign to our knowledge

NM_001904.4(CTNNB1):c.1555C>G (p.Leu519Val)

Genes: CTNNB1 (catenin beta 1; plus strand), LOC126806659 (BRD4-independent group 4 enhancer GRCh37_chr3:41274918-41276117; plus strand). Cytogenetic location: 3p22.1.
Variant type: single nucleotide variant.
Coding change: c.1555C>G on transcript NM_001904.4 (MANE Select); coding-DNA position 1555, C replaced by G.
Protein change: p.Leu519Val; replaces leucine 519 with valine.
Molecular consequence: missense variant.
Genome position (GRCh38, 1-based): chr3:41,234,169, C>G. VCF-style: chr3-41234169-C-G. GRCh37 (hg19) VCF-style: chr3-41275660-C-G.
Other names: c.1555C>G, p.Leu519Val (NM_001098209.2, NM_001098210.2, NM_001438871.1 and 4 more transcripts); c.1534C>G, p.Leu512Val (NM_001330729.2); short protein forms L519V, L512V.
Identifiers: ClinVar variation 5009325 (VCV005009325.1).
Genomic context (GRCh38, chr3:41,234,169, plus strand): 5'-TGTATGCCAGTTCTTCCTTCTGTTTTTCAGGCTACTGTTGGATTGATTCGAAATCTTGCC[C>G]TTTGTCCCGCAAATCATGCACCTTTGCGTGAGCAGGGTGCCATTCCACGACTAGTTCAGT-3'
Protein context (NP_001895.1, residues 509-529): ATVGLIRNLA[Leu519Val]CPANHAPLRE